The following is an entry in ClinVar:

NM_174936.4(PCSK9):c.45_46insGTG (p.Leu15_Leu16insVal)

Gene: PCSK9 (proprotein convertase subtilisin/kexin type 9; plus strand). Cytogenetic location: 1p32.3.
Variant type: Insertion.
Coding change: c.45_46insGTG on transcript NM_174936.4 (MANE Select); coding-DNA positions 45 to 46, GTG inserted.
Protein change: p.Leu15_Leu16insVal.
Molecular consequence: inframe insertion.
Genome position: GRCh38 VCF-style: chr1-55039880-C-CTGG. GRCh37 (hg19) VCF-style: chr1-55505553-C-CTGG.
Identifiers: ClinVar variation 628057 (VCV000628057.2), dbSNP rs1350443459, ClinGen allele CA737023214.

ClinVar aggregate classification (germline): Uncertain significance (1 of 4 stars; one submission).

Conditions:
Familial hypercholesterolemia. Also called: Familial hypercholesterolaemia. Identifiers: MedGen C0020445, MONDO:0005439.

Submission:

Color Diagnostics, LLC DBA Color Health
Classification: Uncertain significance for Familial hypercholesterolemias. Last evaluated: 2018-09-24. Review status: criteria provided, single submitter. Criteria: ACMG Guidelines, 2015. Collection method: clinical testing. Allele origin: germline.
Comment: Variant of Uncertain Significance due to insufficient evidence: This variant is an in-frame insertion of a single amino acid in the poorly conserved region of the signal peptide of the PCSK9 protein. To our knowledge, functional assays have not been performed for this variant nor has the variant been reported in individuals affected with familial hypercholesterolemia in the literature. Computational splicing tools suggest that this variant may not impact the RNA splicing. This variant is rare in the general population and has been identified in 0/277264 chromosomes by the Genome Aggregation Database (gnomAD). Available evidence is insufficient to determine the pathogenicity of this variant conclusively.